The following is an entry in ClinVar:

NM_000106.6(CYP2D6):c.181-1G>C

Gene: CYP2D6 (cytochrome P450 family 2 subfamily D member 6 (gene/pseudogene); minus strand). Cytogenetic location: 22q13.2.
Variant type: single nucleotide variant.
Coding change: c.181-1G>C on transcript NM_000106.6 (MANE Select); the canonical splice acceptor site of the intron before coding-DNA position 181, G replaced by C.
Molecular consequence: splice acceptor variant.
Genome position (GRCh38, 1-based): chr22:42,129,910, C>G on the plus strand (G>C on the coding strand, the complement: CYP2D6 is on the minus strand). VCF-style: chr22-42129910-C-G. GRCh37 (hg19) VCF-style: chr22-42525912-C-G.
Other names: NC_000022.10:g.42525912C>G; c.181-1G>C (NM_001025161.3).
Identifiers: ClinVar variation 676319 (VCV000676319.2), dbSNP rs201377835, ClinGen allele CA10265307.

ClinVar aggregate classification (germline): Likely benign (1 of 4 stars; one submission).

Allele frequency attached by ClinVar (database versions not stated): 1000 Genomes Project 30x 0.00016; gnomAD exomes 0.00012; TOPMed 0.00009; gnomAD 0.00010; ExAC 0.00018; 1000 Genomes Project 0.00020.
gnomAD v4.1: 182 of 1,556,938 alleles (0.012%); highest among the groups gnomAD compares: Non-Finnish European, 0.016%; 9 homozygotes.

Submissions (3):

GeneDx
Classification: Likely benign. Last evaluated: 2018-04-12. Review status: criteria provided, single submitter. Criteria: GeneDx Variant Classification (06012015). Collection method: clinical testing. Allele origin: germline. Affected: yes.
Comment: This variant is considered likely benign or benign based on one or more of the following criteria: it is a conservative change, it occurs at a poorly conserved position in the protein, it is predicted to be benign by multiple in silico algorithms, and/or has population frequency not consistent with disease.

Dr. Peter K. Rogan Lab, Western University
No classification provided (evidence only). Condition: Malignant tumor of urinary bladder. Review status: no classification provided. Collection method: in vitro. Allele origin: not applicable. Functional consequence: retained intron. Not counted in ClinVar's aggregate classification.

Dr. Peter K. Rogan Lab, Western University
No classification provided (evidence only). Condition: Squamous cell lung carcinoma. Review status: no classification provided. Collection method: in vitro. Allele origin: not applicable. Functional consequence: retained intron. Not counted in ClinVar's aggregate classification.